The following is an entry in ClinVar:

ClinVar aggregate classification (germline): Uncertain significance (1 of 4 stars; one submission).

Conditions:
Early-infantile DEE. Also called: Ohtahara syndrome; Early infantile epileptic encephalopathy with suppression bursts; Early infantile epileptic encephalopathy. Identifiers: Orphanet 1934, MedGen C0393706, MONDO:0800491.

Submission:

Labcorp Genetics (formerly Invitae), Labcorp
Classification: Uncertain significance for Early-infantile DEE. Last evaluated: 2025-06-09. Review status: criteria provided, single submitter. Criteria: Invitae Variant Classification Sherloc (09022015). Collection method: clinical testing. Allele origin: germline.
Comment: This sequence change replaces threonine, which is neutral and polar, with serine, which is neutral and polar, at codon 132 of the KCNH5 protein (p.Thr132Ser). This variant is not present in population databases (gnomAD no frequency). This variant has not been reported in the literature in individuals affected with KCNH5-related conditions. ClinVar contains an entry for this variant (Variation ID: 2853944). An algorithm developed to predict the effect of missense changes on protein structure and function (PolyPhen-2) suggests that this variant is likely to be disruptive. In summary, the available evidence is currently insufficient to determine the role of this variant in disease. Therefore, it has been classified as a Variant of Uncertain Significance.

NM_139318.5(KCNH5):c.394A>T (p.Thr132Ser)

Gene: KCNH5 (potassium voltage-gated channel subfamily H member 5; minus strand). Cytogenetic location: 14q23.2.
Variant type: single nucleotide variant.
Coding change: c.394A>T on transcript NM_139318.5 (MANE Select); coding-DNA position 394, A replaced by T.
Protein change: p.Thr132Ser; replaces threonine 132 with serine.
Molecular consequence: missense variant.
Genome position (GRCh38, 1-based): chr14:63,001,370, T>A on the plus strand (A>T on the coding strand, the complement: KCNH5 is on the minus strand). VCF-style: chr14-63001370-T-A. GRCh37 (hg19) VCF-style: chr14-63468088-T-A.
Other names: c.394A>T, p.Thr132Ser (NM_172375.3); short protein forms T132S.
Identifiers: ClinVar variation 2853944 (VCV002853944.3), dbSNP rs2503069380, ClinGen allele CA390105029.
Genomic context (GRCh38, chr14:63,001,370, plus strand): 5'-AGTAATTCTTTTGAAAATTACCTTTTGTTGAATCATCCTCTATTGGCTGTTTGAACAACG[T>A]AATATCCTTGAAAGTACACAGGAACAAGACCACCTTTTCATGTTCATTTCTTATTGGTGC-3'
Protein context (NP_647479.2, residues 122-142): VLFLCTFKDI[Thr132Ser]LFKQPIEDDS